The following is an entry in ClinVar:

ClinVar aggregate classification (germline): Uncertain significance. Review status: criteria provided, multiple submitters, no conflicts (2 of 4 stars). 2 submissions from 2 submitters: Uncertain significance (2). Last evaluated 2025-07-28.

Conditions:
Familial cold autoinflammatory syndrome 2 (FCAS2). Identifiers: Orphanet 247868, MedGen C2673198, MONDO:0012724, OMIM 611762.

Submissions (2):

Labcorp Genetics (formerly Invitae), Labcorp
Classification: Uncertain significance for Familial cold autoinflammatory syndrome 2. Last evaluated: 2025-07-28. Review status: criteria provided, single submitter. Criteria: Invitae Variant Classification Sherloc (09022015). Collection method: clinical testing. Allele origin: germline.
Comment: This sequence change creates a premature translational stop signal (p.Pro827Hisfs*8) in the NLRP12 gene. It is expected to result in an absent or disrupted protein product. However, the current clinical and genetic evidence is not sufficient to establish whether loss-of-function variants in NLRP12 cause disease. This variant is present in population databases (rs749913514, gnomAD 0.01%). This variant has not been reported in the literature in individuals affected with NLRP12-related conditions. ClinVar contains an entry for this variant (Variation ID: 1425114). In summary, the available evidence is currently insufficient to determine the role of this variant in disease. Therefore, it has been classified as a Variant of Uncertain Significance.

GeneDx
Classification: Uncertain significance. Last evaluated: 2022-08-22. Review status: criteria provided, single submitter. Criteria: GeneDx Variant Classification Process June 2021. Collection method: clinical testing. Allele origin: germline. Affected: yes.
Comment: Frameshift variant predicted to result in protein truncation or nonsense mediated decay in a gene for which loss of function is a known mechanism of disease; Has not been previously published as pathogenic or benign to our knowledge

NM_144687.4(NLRP12):c.2480del (p.Pro827fs)

Gene: NLRP12 (NLR family pyrin domain containing 12; minus strand). Cytogenetic location: 19q13.42.
Variant type: Deletion.
Coding change: c.2480del on transcript NM_144687.4 (MANE Select); coding-DNA position 2480, one base deleted (C; older notation c.2480delC).
Protein change: p.Pro827fs; shifts the reading frame from proline 827.
Molecular consequence: frameshift variant.
Genome position (GRCh38, 1-based): chr19:53,804,057, G deleted on the plus strand (C on the coding strand, the reverse complement: NLRP12 is on the minus strand); the first of 3 consecutive G bases (chr19:53,804,057-53,804,059); deleting any one gives the same sequence. VCF-style (leftmost placement, unchanged base first): chr19-53804056-TG-T. GRCh37 (hg19) VCF-style: chr19-54307310-TG-T.
Other names: c.2483del, p.Pro828fs (NM_001277126.2); c.2480del, p.Pro827fs (NM_001277129.1); c.2480del (NM_144687.2); short protein forms P828fs, P827fs.
Identifiers: ClinVar variation 1425114 (VCV001425114.6), dbSNP rs749913514, ClinGen allele CA9639058.